The following is an entry in ClinVar:

ClinVar aggregate classification (germline): Uncertain significance (1 of 4 stars; one submission).

Conditions:
Arrhythmogenic right ventricular dysplasia 5. Also called: Arrhythmogenic Right Ventricular Dysplasia/Cardiomyopathy 5; ARRHYTHMOGENIC RIGHT VENTRICULAR DYSPLASIA, FAMILIAL, 5. Identifiers: MedGen C1858379, MONDO:0011459, OMIM 604400.

Allele frequency attached by ClinVar (database versions not stated): gnomAD exomes below 0.00001.
gnomAD v4.1: 1 of 1,614,080 alleles (0.000062%); highest among the groups gnomAD compares: South Asian, 0.0011%; no homozygotes.

Submission:

Labcorp Genetics (formerly Invitae), Labcorp
Classification: Uncertain significance for Arrhythmogenic right ventricular dysplasia 5. Last evaluated: 2022-07-06. Review status: criteria provided, single submitter. Criteria: Invitae Variant Classification Sherloc (09022015). Collection method: clinical testing. Allele origin: germline.
Comment: In summary, the available evidence is currently insufficient to determine the role of this variant in disease. Therefore, it has been classified as a Variant of Uncertain Significance. Algorithms developed to predict the effect of sequence changes on RNA splicing suggest that this variant may create or strengthen a splice site. Algorithms developed to predict the effect of missense changes on protein structure and function (SIFT, PolyPhen-2, Align-GVGD) all suggest that this variant is likely to be tolerated. This variant has not been reported in the literature in individuals affected with TMEM43-related conditions. This variant is not present in population databases (gnomAD no frequency). This sequence change replaces asparagine, which is neutral and polar, with aspartic acid, which is acidic and polar, at codon 105 of the TMEM43 protein (p.Asn105Asp).

NM_024334.3(TMEM43):c.313A>G (p.Asn105Asp)

Gene: TMEM43 (transmembrane protein 43; plus strand). Cytogenetic location: 3p25.1.
Variant type: single nucleotide variant.
Coding change: c.313A>G on transcript NM_024334.3 (MANE Select); coding-DNA position 313, A replaced by G.
Protein change: p.Asn105Asp; replaces asparagine 105 with aspartic acid.
Molecular consequence: missense variant.
Genome position (GRCh38, 1-based): chr3:14,131,595, A>G. VCF-style: chr3-14131595-A-G. GRCh37 (hg19) VCF-style: chr3-14173095-A-G.
Other names: c.313A>G, p.Asn105Asp (NM_001407274.1, NM_001407275.1, NM_001407276.1 and 2 more transcripts); c.298A>G, p.Asn100Asp (NM_001407278.1); c.163A>G, p.Asn55Asp (NM_001407280.1); short protein forms N105D, N55D, N100D.
Identifiers: ClinVar variation 2014755 (VCV002014755.4), dbSNP rs2470181483, ClinGen allele CA351534787.